The following is an entry in ClinVar:

ClinVar aggregate classification (germline): Uncertain significance (1 of 4 stars; one submission).

Conditions:
Amyotrophic lateral sclerosis type 1 (ALS1). Also called: AMYOTROPHIC LATERAL SCLEROSIS 1, FAMILIAL. Identifiers: Orphanet 803, MedGen C1862939, MONDO:0007103, OMIM 105400.
Neuronopathy, distal hereditary motor, type 7B. Also called: HMN VIIB; LOWER MOTOR NEURON DISEASE, DYNACTIN TYPE; NEURONOPATHY, DISTAL HEREDITARY MOTOR, AUTOSOMAL DOMINANT 14; NEURONOPATHY, DISTAL HEREDITARY MOTOR, HARDING TYPE VIIB; NEUROPATHY, DISTAL HEREDITARY MOTOR, HARDING TYPE VIIB; NEUROPATHY, DISTAL HEREDITARY MOTOR, WITH VOCAL CORD PARALYSIS, HARDING TYPE VIIB. Identifiers: Orphanet 139589, MedGen C1843315, MONDO:0011879, OMIM 607641.
Perry syndrome. Also called: PARKINSONISM WITH ALVEOLAR HYPOVENTILATION AND MENTAL DEPRESSION. Identifiers: Orphanet 178509, MedGen C1868594, MONDO:0008201, OMIM 168605.

gnomAD v4.1: 6 of 1,614,014 alleles (0.00037%); highest among the groups gnomAD compares: South Asian, 0.0022%; no homozygotes.

Submission:

Labcorp Genetics (formerly Invitae), Labcorp
Classification: Uncertain significance for Amyotrophic lateral sclerosis type 1; Neuronopathy, distal hereditary motor, type 7B; Perry syndrome. Last evaluated: 2025-12-10. Review status: criteria provided, single submitter. Criteria: Invitae Variant Classification Sherloc (09022015). Collection method: clinical testing. Allele origin: germline.
Comment: This sequence change affects codon 376 of the DCTN1 mRNA. It is a 'silent' change, meaning that it does not change the encoded amino acid sequence of the DCTN1 protein. It affects a nucleotide within the consensus splice site. This variant is present in population databases (rs748767236, gnomAD 0.003%). This variant has not been reported in the literature in individuals affected with DCTN1-related conditions. Algorithms developed to predict the effect of sequence changes on RNA splicing suggest that this variant is not likely to affect RNA splicing. In summary, the available evidence is currently insufficient to determine the role of this variant in disease. Therefore, it has been classified as a Variant of Uncertain Significance.

NM_004082.5(DCTN1):c.1128G>A (p.Arg376=)

Gene: DCTN1 (dynactin subunit 1; minus strand). Cytogenetic location: 2p13.1.
Variant type: single nucleotide variant.
Coding change: c.1128G>A on transcript NM_004082.5 (MANE Select); coding-DNA position 1128, G replaced by A.
Protein change: p.Arg376=; no amino-acid change (arginine 376 retained).
Molecular consequence: synonymous variant. On other transcripts: non-coding transcript variant (1).
Genome position (GRCh38, 1-based): chr2:74,370,345, C>T on the plus strand (G>A on the coding strand, the complement: DCTN1 is on the minus strand). VCF-style: chr2-74370345-C-T. GRCh37 (hg19) VCF-style: chr2-74597472-C-T.
Other names: c.1068G>A, p.Arg356= (NM_001135040.3); c.726G>A, p.Arg242= (NM_001135041.3, NM_023019.4); c.1017G>A, p.Arg339= (NM_001190836.2); c.1107G>A, p.Arg369= (NM_001190837.2); c.1077G>A, p.Arg359= (NM_001378991.1); c.1059G>A, p.Arg353= (NM_001378992.1).
Identifiers: ClinVar variation 4792191 (VCV004792191.1).